The following is an entry in ClinVar:

NM_000398.7(CYB5R3):c.587A>G (p.Lys196Arg)

Gene: CYB5R3 (cytochrome b5 reductase 3; minus strand). Cytogenetic location: 22q13.2.
Variant type: single nucleotide variant.
Coding change: c.587A>G on transcript NM_000398.7 (MANE Select); coding-DNA position 587, A replaced by G.
Protein change: p.Lys196Arg; replaces lysine 196 with arginine.
Molecular consequence: missense variant.
Genome position (GRCh38, 1-based): chr22:42,627,350, T>C on the plus strand (A>G on the coding strand, the complement: CYB5R3 is on the minus strand). VCF-style: chr22-42627350-T-C. GRCh37 (hg19) VCF-style: chr22-43023356-T-C.
Other names: c.587A>G, p.Lys196Arg (NM_001031678.1); c.518A>G, p.Lys173Arg (NM_001129819.2, NM_001171661.1, NM_007326.4); c.686A>G, p.Lys229Arg (NM_001171660.2); short protein forms K173R, K196R, K229R.
Identifiers: ClinVar variation 2110561 (VCV002110561.4), dbSNP rs764899974, ClinGen allele CA411797753.
Genomic context (GRCh38, chr22:42,627,350, plus strand): 5'-GGATGCCCACTGACCTGGTTGGCAAAGAGCAGGTGGCACACAGTGTGGTCATCAGGGTCC[T>C]TCATGATGGCGCGGATCACCTGCAGCATCGGGGTGATGCCTGCAAAATAGCCGGCCGGGC-3'
Protein context (NP_000389.1, residues 186-206): PMLQVIRAIM[Lys196Arg]DPDDHTVCHL

ClinVar aggregate classification (germline): Uncertain significance (1 of 4 stars; one submission).

Submission:

Labcorp Genetics (formerly Invitae), Labcorp
Classification: Uncertain significance. Last evaluated: 2022-03-20. Review status: criteria provided, single submitter. Criteria: Invitae Variant Classification Sherloc (09022015). Collection method: clinical testing. Allele origin: germline.
Comment: In summary, the available evidence is currently insufficient to determine the role of this variant in disease. Therefore, it has been classified as a Variant of Uncertain Significance. Algorithms developed to predict the effect of missense changes on protein structure and function are either unavailable or do not agree on the potential impact of this missense change (SIFT: "Tolerated"; PolyPhen-2: "Probably Damaging"; Align-GVGD: "Class C0"). This variant has not been reported in the literature in individuals affected with CYB5R3-related conditions. This variant is not present in population databases (gnomAD no frequency). This sequence change replaces lysine, which is basic and polar, with arginine, which is basic and polar, at codon 196 of the CYB5R3 protein (p.Lys196Arg).